The following is an entry in ClinVar:

NM_001256071.3(RNF213):c.12817G>A (p.Asp4273Asn)

Genes: RNF213-AS1 (RNF213 antisense RNA 1; minus strand), RNF213 (ring finger protein 213; plus strand). Cytogenetic location: 17q25.3.
Variant type: single nucleotide variant.
Coding change: c.12817G>A on transcript NM_001256071.3 (MANE Select); coding-DNA position 12817, G replaced by A.
Protein change: p.Asp4273Asn; replaces aspartic acid 4273 with asparagine.
Molecular consequence: missense variant.
Genome position (GRCh38, 1-based): chr17:80,373,040, G>A. VCF-style: chr17-80373040-G-A. GRCh37 (hg19) VCF-style: chr17-78346840-G-A.
Other names: short protein forms D4273N.
Identifiers: ClinVar variation 770449 (VCV000770449.35), dbSNP rs141329059, ClinGen allele CA8822310.

ClinVar aggregate classification (germline): Likely benign. Review status: criteria provided, multiple submitters, no conflicts (2 of 4 stars). 5 submissions from 5 submitters: Likely benign (4). 1 of the submissions does not count toward it. Last evaluated 2026-03-01.

Conditions:
RNF213-related disorder. Also called: RNF213-related condition.

Allele frequency attached by ClinVar (database versions not stated): 1000 Genomes Project 30x 0.00172; 1000 Genomes Project 0.00180; TOPMed 0.00315; gnomAD 0.00330; ESP Exome Variant Server 0.00354.
gnomAD v4.1: 7,131 of 1,614,008 alleles (0.44%); highest among the groups gnomAD compares: Non-Finnish European, 0.55%; 25 homozygotes.

Submissions (5):

CeGaT Center for Human Genetics Tuebingen
Classification: Likely benign. Last evaluated: 2026-03-01. Review status: criteria provided, single submitter. Criteria: CeGaT Center For Human Genetics Tuebingen Variant Classification Criteria Version 2. Collection method: clinical testing. Allele origin: germline. Affected: yes. Observed: 5 variant alleles.
Comment: RNF213: BP4, BS2

Labcorp Genetics (formerly Invitae), Labcorp
Classification: Likely benign. Last evaluated: 2025-12-29. Review status: criteria provided, single submitter. Criteria: Invitae Variant Classification Sherloc (09022015). Collection method: clinical testing. Allele origin: germline.

Blueprint Genetics
Classification: Likely benign. Last evaluated: 2024-11-27. Review status: criteria provided, single submitter. Criteria: ACMG Guidelines, 2015. Collection method: clinical testing. Allele origin: germline.

Breakthrough Genomics
Classification: Likely benign. Review status: criteria provided, single submitter. Criteria: ACMG Guidelines, 2015. Collection method: not provided. Allele origin: germline. Inheritance: Autosomal dominant inheritance. Affected: yes.

PreventionGenetics, part of Exact Sciences
Classification: Likely benign for RNF213-related condition. Last evaluated: 2022-06-17. Review status: no assertion criteria provided. Collection method: clinical testing. Allele origin: germline. Not counted in ClinVar's aggregate classification.
Comment: This variant is classified as likely benign based on ACMG/AMP sequence variant interpretation guidelines (Richards et al. 2015 PMID: 25741868, with internal and published modifications).